The following is an entry in ClinVar:

NM_006393.3(NEBL):c.1864A>C (p.Ser622Arg)

Gene: NEBL (nebulette; minus strand). Cytogenetic location: 10p12.31.
Variant type: single nucleotide variant.
Coding change: c.1864A>C on transcript NM_006393.3 (MANE Select); coding-DNA position 1864, A replaced by C.
Protein change: p.Ser622Arg; replaces serine 622 with arginine.
Molecular consequence: missense variant. On other transcripts: intron variant (9).
Genome position (GRCh38, 1-based): chr10:20,826,452, T>G on the plus strand (A>C on the coding strand, the complement: NEBL is on the minus strand). VCF-style: chr10-20826452-T-G. GRCh37 (hg19) VCF-style: chr10-21115381-T-G.
Other names: c.250-13512A>C (NM_001377326.1, NM_001377327.1, NM_001377328.1); c.358-13512A>C (NM_213569.2, NM_001173484.2, NM_001377322.1); c.301-13512A>C (NM_001377324.1); c.292-13512A>C (NM_001377325.1); c.310-13512A>C (NM_001377323.1); short protein forms S622R.
Identifiers: ClinVar variation 851776 (VCV000851776.10), dbSNP rs142157051, ClinGen allele CA5432730.

ClinVar aggregate classification (germline): Uncertain significance (1 of 4 stars; one submission).

Conditions:
Primary dilated cardiomyopathy (DCM). Also called: Dilated Cardiomyopathy. Identifiers: Orphanet 217604, MedGen C0007193, MeSH D002311, MONDO:0005021, HP:0001644. Inheritance: Various modes of inheritance.

Allele frequency attached by ClinVar (database versions not stated): gnomAD exomes 0.00001; gnomAD 0.00011 and 0.00014; ESP Exome Variant Server 0.00015; ExAC 0.00003; TOPMed 0.00007; 1000 Genomes Project 0.00020; 1000 Genomes Project 30x 0.00031.
gnomAD v4.1: 23 of 1,608,188 alleles (0.0014%); highest among the groups gnomAD compares: African/African-American, 0.025%; no homozygotes.

Submission:

Labcorp Genetics (formerly Invitae), Labcorp
Classification: Uncertain significance for Primary dilated cardiomyopathy. Last evaluated: 2024-12-27. Review status: criteria provided, single submitter. Criteria: Invitae Variant Classification Sherloc (09022015). Collection method: clinical testing. Allele origin: germline.
Comment: This sequence change replaces serine, which is neutral and polar, with arginine, which is basic and polar, at codon 622 of the NEBL protein (p.Ser622Arg). This variant is present in population databases (rs142157051, gnomAD 0.03%). This variant has not been reported in the literature in individuals affected with NEBL-related conditions. ClinVar contains an entry for this variant (Variation ID: 851776). An algorithm developed to predict the effect of missense changes on protein structure and function (PolyPhen-2) suggests that this variant is likely to be disruptive. In summary, the available evidence is currently insufficient to determine the role of this variant in disease. Therefore, it has been classified as a Variant of Uncertain Significance.